The following is an entry in ClinVar:

NM_006509.4(RELB):c.496G>A (p.Ala166Thr)

Gene: RELB (RELB proto-oncogene, NF-kB subunit; plus strand). Cytogenetic location: 19q13.32.
Variant type: single nucleotide variant.
Coding change: c.496G>A on transcript NM_006509.4 (MANE Select); coding-DNA position 496, G replaced by A.
Protein change: p.Ala166Thr; replaces alanine 166 with threonine.
Molecular consequence: missense variant.
Genome position (GRCh38, 1-based): chr19:45,012,268, G>A. VCF-style: chr19-45012268-G-A. GRCh37 (hg19) VCF-style: chr19-45515526-G-A.
Other names: short protein forms A166T.
Identifiers: ClinVar variation 1557871 (VCV001557871.9), dbSNP rs200472617, ClinGen allele CA9507560.

ClinVar aggregate classification (germline): Conflicting classifications of pathogenicity. Review status: criteria provided, conflicting classifications (1 of 4 stars). 3 submissions from 3 submitters: Uncertain significance (1); Likely benign (2). Last evaluated 2026-09-01.

Allele frequency attached by ClinVar (database versions not stated): gnomAD 0.00014; TOPMed 0.00015; 1000 Genomes Project 30x 0.00016; gnomAD exomes 0.00017; 1000 Genomes Project 0.00020; ExAC 0.00020.
gnomAD v4.1: 183 of 1,411,634 alleles (0.013%); highest among the groups gnomAD compares: Middle Eastern, 0.18%; no homozygotes.

Submissions (3):

CeGaT Center for Human Genetics Tuebingen
Classification: Uncertain significance. Last evaluated: 2026-09-01. Review status: criteria provided, single submitter. Criteria: CeGaT Center For Human Genetics Tuebingen Variant Classification Criteria Version 2. Collection method: clinical testing. Allele origin: germline. Affected: yes. Observed: 1 variant allele.
Comment: RELB: PM2

Labcorp Genetics (formerly Invitae), Labcorp
Classification: Likely benign. Last evaluated: 2025-10-21. Review status: criteria provided, single submitter. Criteria: Invitae Variant Classification Sherloc (09022015). Collection method: clinical testing. Allele origin: germline.

Breakthrough Genomics
Classification: Likely benign. Review status: criteria provided, single submitter. Criteria: ACMG Guidelines, 2015. Collection method: not provided. Allele origin: germline. Inheritance: Autosomal recessive inheritance. Affected: yes.